The following is an entry in ClinVar:

ClinVar aggregate classification (germline): Uncertain significance (1 of 4 stars; one submission).

Submission:

GeneDx
Classification: Uncertain significance. Last evaluated: 2024-05-28. Review status: criteria provided, single submitter. Criteria: GeneDx Variant Classification Process June 2021. Collection method: clinical testing. Allele origin: germline.
Comment: Not observed at significant frequency in large population cohorts (gnomAD); In silico analysis supports that this missense variant has a deleterious effect on protein structure/function; Has not been previously published as pathogenic or benign to our knowledge

NM_005184.4(CALM3):c.247G>A (p.Glu83Lys)

Gene: CALM3 (calmodulin 3; plus strand). Cytogenetic location: 19q13.32.
Variant type: single nucleotide variant.
Coding change: c.247G>A on transcript NM_005184.4 (MANE Select); coding-DNA position 247, G replaced by A.
Protein change: p.Glu83Lys; replaces glutamic acid 83 with lysine.
Molecular consequence: missense variant.
Genome position (GRCh38, 1-based): chr19:46,608,550, G>A. VCF-style: chr19-46608550-G-A. GRCh37 (hg19) VCF-style: chr19-47111807-G-A.
Other names: c.139G>A, p.Glu47Lys (NM_001329921.1, NM_001329923.1, NM_001329924.2 and 2 more transcripts); c.247G>A, p.Glu83Lys (NM_001329922.1); short protein forms E47K, E83K.
Identifiers: ClinVar variation 2661969 (VCV002661969.2), dbSNP rs2513645057, ClinGen allele CA406472670.